The following is an entry in ClinVar:

NM_020911.2(PLXNA4):c.954G>A (p.Ala318=)

Gene: PLXNA4 (plexin A4; minus strand). Cytogenetic location: 7q32.3.
Variant type: single nucleotide variant.
Coding change: c.954G>A on transcript NM_020911.2 (MANE Select); coding-DNA position 954, G replaced by A.
Protein change: p.Ala318=; no amino-acid change (alanine 318 retained).
Molecular consequence: synonymous variant.
Genome position (GRCh38, 1-based): chr7:132,507,740, C>T on the plus strand (G>A on the coding strand, the complement: PLXNA4 is on the minus strand). VCF-style: chr7-132507740-C-T. GRCh37 (hg19) VCF-style: chr7-132192499-C-T.
Other names: c.954G>A, p.Ala318= (NM_001105543.2, NM_001393897.1, NM_181775.4).
Identifiers: ClinVar variation 717726 (VCV000717726.30), dbSNP rs142028036, ClinGen allele CA4490411.

ClinVar aggregate classification (germline): Benign/Likely benign. Review status: criteria provided, multiple submitters, no conflicts (2 of 4 stars). 4 submissions from 4 submitters: Benign (2); Likely benign (1). 1 of the submissions does not count toward it. Last evaluated 2023-03-01.

Conditions:
PLXNA4-related disorder. Also called: PLXNA4-related condition.

Allele frequency attached by ClinVar (database versions not stated): 1000 Genomes Project 0.00080; 1000 Genomes Project 30x 0.00094; ESP Exome Variant Server 0.00323; TOPMed 0.00387; gnomAD 0.00431 and 0.00453; gnomAD exomes 0.00469 and 0.00494; ExAC 0.00475.
gnomAD v4.1: 7,607 of 1,614,154 alleles (0.47%); highest among the groups gnomAD compares: Middle Eastern, 2.7%; 37 homozygotes.

Submissions (4):

CeGaT Center for Human Genetics Tuebingen
Classification: Likely benign. Last evaluated: 2023-03-01. Review status: criteria provided, single submitter. Criteria: CeGaT Center For Human Genetics Tuebingen Variant Classification Criteria Version 2. Collection method: clinical testing. Allele origin: germline. Affected: yes. Observed: 2 variant alleles.
Comment: PLXNA4: BP4, BP7, BS2

Labcorp Genetics (formerly Invitae), Labcorp
Classification: Benign. Last evaluated: 2019-12-31. Review status: criteria provided, single submitter. Criteria: Invitae Variant Classification Sherloc (09022015). Collection method: clinical testing. Allele origin: germline.

Breakthrough Genomics
Classification: Benign. Review status: criteria provided, single submitter. Criteria: ACMG Guidelines, 2015. Collection method: not provided. Allele origin: germline. Inheritance: Unknown mechanism. Affected: yes.

PreventionGenetics, part of Exact Sciences
Classification: Benign for PLXNA4-related condition. Last evaluated: 2020-04-29. Review status: no assertion criteria provided. Collection method: clinical testing. Allele origin: germline. Not counted in ClinVar's aggregate classification.
Comment: This variant is classified as benign based on ACMG/AMP sequence variant interpretation guidelines (Richards et al. 2015 PMID: 25741868, with internal and published modifications).